The following is an entry in ClinVar:

ClinVar aggregate classification (germline): Uncertain significance. Review status: criteria provided, multiple submitters, no conflicts (2 of 4 stars). 5 submissions from 4 submitters: Uncertain significance (5). Last evaluated 2026-03-01.

Conditions:
Leber congenital amaurosis 2 (LCA2). Also called: AMAUROSIS CONGENITA OF LEBER II; Autosomal Recessive RPE65-Related Retinal Degeneration. Identifiers: Orphanet 65, MedGen C1859844, MONDO:0008765, OMIM 204100. Disease mechanism: loss of function.
Retinitis pigmentosa 20 (RP20). Identifiers: Orphanet 791, MedGen C3151086, MONDO:0013425, OMIM 613794.
Retinitis pigmentosa (RP). Identifiers: Orphanet 791, MedGen C0035334, MeSH D012174, MONDO:0019200, OMIM 268000. Inheritance: Autosomal dominant, autosomal recessive and X linked inheritance.
Retinal dystrophy. Also called: Inherited retinal dystrophy. Identifiers: Orphanet 71862, MedGen C0854723, MeSH D058499, MONDO:0019118, HP:0000556.

Allele frequency attached by ClinVar (database versions not stated): ExAC 0.00001; 1000 Genomes Project 30x 0.00016; 1000 Genomes Project 0.00020; gnomAD exomes 0.00001.
gnomAD v4.1: 12 of 1,613,878 alleles (0.00074%); highest among the groups gnomAD compares: East Asian, 0.011%; no homozygotes.

Submissions (5):

Medical Molecular Genetics Department, National Research Center
Classification: Uncertain significance for Retinitis pigmentosa 20. Last evaluated: 2026-03-01. Review status: criteria provided, single submitter. Criteria: ACMG Guidelines, 2015. Collection method: research. Allele origin: germline. Affected: yes. Observed: 1 variant allele.
Comment: RPE65 c.701G>A (p.Arg234Gln): Rare (gnomAD=0.0001). Missense in functional domain. Limited segregation data. REVEL=0.62 (moderate). Mixed computational predictions. Insufficient functional evidence. Classified Uncertain significance (PM1,PM2,BP4)

Dept Of Ophthalmology, Nagoya University
Classification: Uncertain significance for Retinal dystrophy. Last evaluated: 2023-10-01. Review status: criteria provided, single submitter. Criteria: Submitter's publication. Collection method: research. Allele origin: germline. Affected: yes.

Labcorp Genetics (formerly Invitae), Labcorp
Classification: Uncertain significance for Leber congenital amaurosis 2; Retinitis pigmentosa 20. Last evaluated: 2022-10-07. Review status: criteria provided, single submitter. Criteria: Invitae Variant Classification Sherloc (09022015). Collection method: clinical testing. Allele origin: germline.
Comment: This sequence change replaces arginine, which is basic and polar, with glutamine, which is neutral and polar, at codon 234 of the RPE65 protein (p.Arg234Gln). This variant is present in population databases (rs577193739, gnomAD 0.007%). This variant has not been reported in the literature in individuals affected with RPE65-related conditions. ClinVar contains an entry for this variant (Variation ID: 876131). Advanced modeling of protein sequence and biophysical properties (such as structural, functional, and spatial information, amino acid conservation, physicochemical variation, residue mobility, and thermodynamic stability) performed at Invitae indicates that this missense variant is not expected to disrupt RPE65 protein function. Algorithms developed to predict the effect of sequence changes on RNA splicing suggest that this variant may disrupt the consensus splice site. In summary, the available evidence is currently insufficient to determine the role of this variant in disease. Therefore, it has been classified as a Variant of Uncertain Significance.

Illumina Laboratory Services, Illumina
Classification: Uncertain significance for Leber congenital amaurosis 2. Last evaluated: 2017-04-28. Review status: criteria provided, single submitter. Criteria: ICSL Variant Classification Criteria 13 December 2019. Collection method: clinical testing. Allele origin: germline.

Illumina Laboratory Services, Illumina
Classification: Uncertain significance for Retinitis pigmentosa. Last evaluated: 2017-04-28. Review status: criteria provided, single submitter. Criteria: ICSL Variant Classification Criteria 13 December 2019. Collection method: clinical testing. Allele origin: germline.

NM_000329.3(RPE65):c.701G>A (p.Arg234Gln)

Gene: RPE65 (retinoid isomerohydrolase RPE65; minus strand). Cytogenetic location: 1p31.3.
Variant type: single nucleotide variant.
Coding change: c.701G>A on transcript NM_000329.3 (MANE Select); coding-DNA position 701, G replaced by A.
Protein change: p.Arg234Gln; replaces arginine 234 with glutamine.
Molecular consequence: missense variant.
Genome position (GRCh38, 1-based): chr1:68,439,585, C>T on the plus strand (G>A on the coding strand, the complement: RPE65 is on the minus strand). VCF-style: chr1-68439585-C-T. GRCh37 (hg19) VCF-style: chr1-68905268-C-T.
Other names: p.Arg234Gln; short protein forms R234Q.
Identifiers: ClinVar variation 876131 (VCV000876131.7), dbSNP rs577193739, ClinGen allele CA902424.
Genomic context (GRCh38, chr1:68,439,585, plus strand): 5'-GTTTTCCTGAAGATTCATAGCAGGCCTTCAAGTTACCTATGAACGTAAGATGGCTTGAAT[C>T]GGTCACTGCAGGGGAATTGTACAACGATCTCTGACTTGCTTATTGGATCTTCCTTGTCTG-3'
Protein context (NP_000320.1, residues 224-244): EIVVQFPCSD[Arg234Gln]FKPSYVHSFG